The following is an entry in ClinVar:

NM_003183.6(ADAM17):c.591A>C (p.Lys197Asn)

Gene: ADAM17 (ADAM metallopeptidase domain 17; minus strand). Cytogenetic location: 2p25.1.
Variant type: single nucleotide variant.
Coding change: c.591A>C on transcript NM_003183.6 (MANE Select); coding-DNA position 591, A replaced by C.
Protein change: p.Lys197Asn; replaces lysine 197 with asparagine.
Molecular consequence: missense variant. On other transcripts: 5 prime UTR variant (2).
Genome position (GRCh38, 1-based): chr2:9,527,814, T>G on the plus strand (A>C on the coding strand, the complement: ADAM17 is on the minus strand). VCF-style: chr2-9527814-T-G. GRCh37 (hg19) VCF-style: chr2-9667943-T-G.
Other names: c.-90A>C (NM_001382777.1); c.-332A>C (NM_001382778.1); c.591A>C (NM_003183.4); short protein forms K197N.
Identifiers: ClinVar variation 1904754 (VCV001904754.4), dbSNP rs1035434679, ClinGen allele CA42386417.
Genomic context (GRCh38, chr2:9,527,814, plus strand): 5'-TTCTTATTTGAAATACACTCTTTAAGTCTTACCTTCAGGTGGTTCTCTGTCTACTAACCC[T>G]TTTGGGAGCAACTCTTCATTATCCACTTTTAAATAACCACACACTTTTGGAGACTGCAAA-3'
Protein context (NP_003174.3, residues 187-207): LKVDNEELLP[Lys197Asn]GLVDREPPEE

ClinVar aggregate classification (germline): Uncertain significance. Review status: criteria provided, multiple submitters, no conflicts (2 of 4 stars). 2 submissions from 2 submitters: Uncertain significance (2). Last evaluated 2025-10-14.

Conditions:
Inborn genetic diseases. Identifiers: MedGen C0950123, MeSH D030342.
Inflammatory skin and bowel disease, neonatal, 1. Identifiers: Orphanet 294023, MedGen C3280501, MONDO:0013693, OMIM 614328.

Allele frequency attached by ClinVar (database versions not stated): gnomAD 0.00003; TOPMed 0.00003.
gnomAD v4.1: 17 of 1,597,590 alleles (0.0011%); highest among the groups gnomAD compares: Non-Finnish European, 0.0014%; no homozygotes.

Submissions (2):

Ambry Genetics
Classification: Uncertain significance for Inborn genetic diseases. Last evaluated: 2025-10-14. Review status: criteria provided, single submitter. Criteria: Ambry Variant Classification Scheme 2023. Collection method: clinical testing. Allele origin: germline.

Labcorp Genetics (formerly Invitae), Labcorp
Classification: Uncertain significance for Inflammatory skin and bowel disease, neonatal, 1. Last evaluated: 2022-01-12. Review status: criteria provided, single submitter. Criteria: Invitae Variant Classification Sherloc (09022015). Collection method: clinical testing. Allele origin: germline.
Comment: In summary, the available evidence is currently insufficient to determine the role of this variant in disease. Therefore, it has been classified as a Variant of Uncertain Significance. Algorithms developed to predict the effect of missense changes on protein structure and function are either unavailable or do not agree on the potential impact of this missense change (SIFT: "Not Available"; PolyPhen-2: "Benign"; Align-GVGD: "Not Available"). This variant has not been reported in the literature in individuals affected with ADAM17-related conditions. This variant is present in population databases (no rsID available, gnomAD 0.003%). This sequence change replaces lysine, which is basic and polar, with asparagine, which is neutral and polar, at codon 197 of the ADAM17 protein (p.Lys197Asn).